The following is an entry in ClinVar:

NM_000553.6(WRN):c.2751T>A (p.Phe917Leu)

Gene: WRN (WRN RecQ like helicase; plus strand). Cytogenetic location: 8p12.
Variant type: single nucleotide variant.
Coding change: c.2751T>A on transcript NM_000553.6 (MANE Select); coding-DNA position 2751, T replaced by A.
Protein change: p.Phe917Leu; replaces phenylalanine 917 with leucine.
Molecular consequence: missense variant.
Genome position (GRCh38, 1-based): chr8:31,124,926, T>A. VCF-style: chr8-31124926-T-A. GRCh37 (hg19) VCF-style: chr8-30982442-T-A.
Other names: short protein forms F917L.
Identifiers: ClinVar variation 3674940 (VCV003674940.2).

ClinVar aggregate classification (germline): Uncertain significance (1 of 4 stars; one submission).

Conditions:
Werner syndrome (WRN). Identifiers: Orphanet 902, MedGen C0043119, MONDO:0010196, OMIM 277700.

gnomAD v4.1: 2 of 1,613,084 alleles (0.00012%); highest among the groups gnomAD compares: Admixed American, 0.0033%; no homozygotes.

Submission:

Labcorp Genetics (formerly Invitae), Labcorp
Classification: Uncertain significance for Werner syndrome. Last evaluated: 2024-10-31. Review status: criteria provided, single submitter. Criteria: Invitae Variant Classification Sherloc (09022015). Collection method: clinical testing. Allele origin: germline.
Comment: This sequence change replaces phenylalanine, which is neutral and non-polar, with leucine, which is neutral and non-polar, at codon 917 of the WRN protein (p.Phe917Leu). This variant is present in population databases (rs201406649, gnomAD 0.003%). This variant has not been reported in the literature in individuals affected with WRN-related conditions. An algorithm developed to predict the effect of missense changes on protein structure and function (PolyPhen-2) suggests that this variant is likely to be disruptive. RNA analysis performed to evaluate the impact of this missense change on mRNA splicing indicates it does not significantly alter splicing (internal data). In summary, the available evidence is currently insufficient to determine the role of this variant in disease. Therefore, it has been classified as a Variant of Uncertain Significance.